The following is an entry in ClinVar:

ClinVar aggregate classification (germline): Uncertain significance (1 of 4 stars; one submission).

Submission:

Labcorp Genetics (formerly Invitae), Labcorp
Classification: Uncertain significance. Last evaluated: 2024-10-26. Review status: criteria provided, single submitter. Criteria: Invitae Variant Classification Sherloc (09022015). Collection method: clinical testing. Allele origin: germline.
Comment: This sequence change replaces leucine, which is neutral and non-polar, with arginine, which is basic and polar, at codon 300 of the PCARE protein (p.Leu300Arg). This variant is not present in population databases (gnomAD no frequency). This variant has not been reported in the literature in individuals affected with PCARE-related conditions. ClinVar contains an entry for this variant (Variation ID: 1444864). An algorithm developed to predict the effect of missense changes on protein structure and function (PolyPhen-2) suggests that this variant is likely to be disruptive. In summary, the available evidence is currently insufficient to determine the role of this variant in disease. Therefore, it has been classified as a Variant of Uncertain Significance.

NM_001029883.3(PCARE):c.899T>G (p.Leu300Arg)

Gene: PCARE (photoreceptor cilium actin regulator; minus strand). Cytogenetic location: 2p23.2.
Variant type: single nucleotide variant.
Coding change: c.899T>G on transcript NM_001029883.3 (MANE Select); coding-DNA position 899, T replaced by G.
Protein change: p.Leu300Arg; replaces leucine 300 with arginine.
Molecular consequence: missense variant.
Genome position (GRCh38, 1-based): chr2:29,073,363, A>C on the plus strand (T>G on the coding strand, the complement: PCARE is on the minus strand). VCF-style: chr2-29073363-A-C. GRCh37 (hg19) VCF-style: chr2-29296229-A-C.
Other names: short protein forms L300R.
Identifiers: ClinVar variation 1444864 (VCV001444864.6), dbSNP rs2148416666, ClinGen allele CA346481321.
Genomic context (GRCh38, chr2:29,073,363, plus strand): 5'-CGTTCATCCACATTCCTTTTTGTGCTCAGCTTATTTTCCAAGTGGGTTGCAGTGGAGTGG[A>C]GGTAGCTGCTGGAGCCCTCCAGGAAGCTGCCGGTGAGCGAGGCCACTGTGCCATTGAGCA-3'
Protein context (NP_001025054.1, residues 290-310): GSFLEGSSSY[Leu300Arg]HSTATHLENK